The following is an entry in ClinVar:

ClinVar aggregate classification (germline): Uncertain significance (1 of 4 stars; one submission).

Conditions:
Autosomal dominant nocturnal frontal lobe epilepsy 5. Also called: KCNT1-Related Epilepsy; CILIARY DYSKINESIA, PRIMARY, 28, WITHOUT SITUS INVERSUS; CILIARY DYSKINESIA, PRIMARY, 28, WITH SITUS INVERSUS; Epilepsy, nocturnal frontal lobe, 5. Identifiers: Orphanet 98784, MedGen C3554306, MONDO:0014002, OMIM 615005.
Developmental and epileptic encephalopathy, 14 (DEE14). Also called: Early infantile epileptic encephalopathy 14. Identifiers: Orphanet 293181, MedGen C3554195, MONDO:0013989, OMIM 614959.

Submission:

Labcorp Genetics (formerly Invitae), Labcorp
Classification: Uncertain significance for Autosomal dominant nocturnal frontal lobe epilepsy 5; Developmental and epileptic encephalopathy, 14. Last evaluated: 2024-02-21. Review status: criteria provided, single submitter. Criteria: Invitae Variant Classification Sherloc (09022015). Collection method: clinical testing. Allele origin: germline.
Comment: This sequence change replaces asparagine, which is neutral and polar, with isoleucine, which is neutral and non-polar, at codon 119 of the KCNT1 protein (p.Asn119Ile). This variant is not present in population databases (gnomAD no frequency). This variant has not been reported in the literature in individuals affected with KCNT1-related conditions. Advanced modeling of protein sequence and biophysical properties (such as structural, functional, and spatial information, amino acid conservation, physicochemical variation, residue mobility, and thermodynamic stability) performed at Invitae indicates that this missense variant is not expected to disrupt KCNT1 protein function with a negative predictive value of 80%. In summary, the available evidence is currently insufficient to determine the role of this variant in disease. Therefore, it has been classified as a Variant of Uncertain Significance.

NM_020822.3(KCNT1):c.356A>T (p.Asn119Ile)

Gene: KCNT1 (potassium sodium-activated channel subfamily T member 1; plus strand). Cytogenetic location: 9q34.3.
Variant type: single nucleotide variant.
Coding change: c.356A>T on transcript NM_020822.3 (MANE Select); coding-DNA position 356, A replaced by T.
Protein change: p.Asn119Ile; replaces asparagine 119 with isoleucine.
Molecular consequence: missense variant.
Genome position (GRCh38, 1-based): chr9:135,750,963, A>T. VCF-style: chr9-135750963-A-T. GRCh37 (hg19) VCF-style: chr9-138642809-A-T.
Other names: c.212A>T, p.Asn71Ile (NM_001272003.2); short protein forms N119I, N71I.
Identifiers: ClinVar variation 3754847 (VCV003754847.2).